The following is an entry in ClinVar:

NM_006445.4(PRPF8):c.-22G>C

Gene: PRPF8 (pre-mRNA processing factor 8; minus strand). Cytogenetic location: 17p13.3.
Variant type: single nucleotide variant.
Coding change: c.-22G>C on transcript NM_006445.4 (MANE Select); 22 bases upstream of the start codon, G replaced by C.
Molecular consequence: 5 prime UTR variant.
Genome position (GRCh38, 1-based): chr17:1,684,790, C>G on the plus strand (G>C on the coding strand, the complement: PRPF8 is on the minus strand). VCF-style: chr17-1684790-C-G. GRCh37 (hg19) VCF-style: chr17-1588084-C-G.
Identifiers: ClinVar variation 321924 (VCV000321924.5), dbSNP rs185356676, ClinGen allele CA10648666.

ClinVar aggregate classification (germline): Likely benign (1 of 4 stars; one submission).

Conditions:
Retinitis pigmentosa (RP). Identifiers: Orphanet 791, MedGen C0035334, MeSH D012174, MONDO:0019200, OMIM 268000. Inheritance: Autosomal dominant, autosomal recessive and X linked inheritance.

Allele frequency attached by ClinVar (database versions not stated): TOPMed 0.00006; 1000 Genomes Project 0.00100; 1000 Genomes Project 30x 0.00125; gnomAD exomes 0.00149.
gnomAD v4.1: 678 of 604,184 alleles (0.11%); highest among the groups gnomAD compares: East Asian, 1.9%; 17 homozygotes.

Submission:

Illumina Laboratory Services, Illumina
Classification: Likely benign for Retinitis pigmentosa. Last evaluated: 2018-01-13. Review status: criteria provided, single submitter. Criteria: ICSL Variant Classification Criteria 13 December 2019. Collection method: clinical testing. Allele origin: germline.
Comment: This variant was observed in the ICSL laboratory as part of a predisposition screen in an ostensibly healthy population. It had not been previously curated by ICSL or reported in the Human Gene Mutation Database (HGMD: prior to June 1st, 2018), and was therefore a candidate for classification through an automated scoring system. Utilizing variant allele frequency, disease prevalence and penetrance estimates, and inheritance mode, an automated score was calculated to assess if this variant is too frequent to cause the disease. Based on the score and internal cut-off values, a variant classified as likely benign is not then subjected to further curation. The score for this variant resulted in a classification of likely benign for this disease.